The following is an entry in ClinVar:

ClinVar aggregate classification (germline): Pathogenic (1 of 4 stars; one submission).

Conditions:
Early-infantile DEE. Also called: Early infantile epileptic encephalopathy; Ohtahara syndrome; Early infantile epileptic encephalopathy with suppression bursts. Identifiers: Orphanet 1934, MedGen C0393706, MONDO:0800491.

Submission:

Labcorp Genetics (formerly Invitae), Labcorp
Classification: Pathogenic for Early-infantile DEE. Last evaluated: 2019-09-17. Review status: criteria provided, single submitter. Criteria: Invitae Variant Classification Sherloc (09022015). Collection method: clinical testing. Allele origin: germline.
Comment: Disruption of this splice site has been observed in individual(s) with severe myoclonic epilepsy of infancy (PMID: 17054684). In at least one individual the variant was observed to be de novo. This sequence change affects an acceptor splice site in intron 18 of the SCN1A gene. It is expected to disrupt RNA splicing and likely results in an absent or disrupted protein product. This variant is not present in population databases (ExAC no frequency). Algorithms developed to predict the effect of sequence changes on RNA splicing suggest that this variant may disrupt the consensus splice site, but this prediction has not been confirmed by published transcriptional studies. Donor and acceptor splice site variants typically lead to a loss of protein function (PMID: 16199547), and loss-of-function variants in SCN1A are known to be pathogenic (PMID: 17347258, 18930999). For these reasons, this variant has been classified as Pathogenic.

Literature cited by the submitters: PubMed 17054684; PubMed 16199547; PubMed 17347258; PubMed 18930999.

NM_001165963.4(SCN1A):c.3706-1G>C

Genes: SCN1A (sodium voltage-gated channel alpha subunit 1; minus strand), LOC102724058 (uncharacterized LOC102724058; plus strand). Cytogenetic location: 2q24.3.
Variant type: single nucleotide variant.
Coding change: c.3706-1G>C on transcript NM_001165963.4 (MANE Select); the canonical splice acceptor site of the intron before coding-DNA position 3706, G replaced by C.
Molecular consequence: splice acceptor variant.
Genome position (GRCh38, 1-based): chr2:166,012,283, C>G on the plus strand (G>C on the coding strand, the complement: SCN1A is on the minus strand). VCF-style: chr2-166012283-C-G. GRCh37 (hg19) VCF-style: chr2-166868793-C-G.
Other names: c.3673-1G>C (NM_001353949.2, NM_001353950.2, NM_001353951.2 and 2 more transcripts); c.3622-1G>C (NM_001353958.2, NM_001353957.2, NM_001165964.3); c.3706-1G>C (NM_001202435.3, NM_001353948.2); c.3670-1G>C (NM_001353955.2, NM_001353954.2); c.3619-1G>C (NM_001353960.2); c.1264-1G>C (NM_001353961.2).
Identifiers: ClinVar variation 956259 (VCV000956259.11), dbSNP rs1692586014, ClinGen allele CA349054708.